The following is an entry in ClinVar:

ClinVar aggregate classification (germline): Uncertain significance. Review status: criteria provided, multiple submitters, no conflicts (2 of 4 stars). 2 submissions from 2 submitters: Uncertain significance (2). Last evaluated 2024-01-22.

Conditions:
Inborn genetic diseases. Identifiers: MedGen C0950123, MeSH D030342.

Allele frequency attached by ClinVar (database versions not stated): ExAC 0.00001; gnomAD 0.00001; TOPMed 0.00001; ESP Exome Variant Server 0.00008.
gnomAD v4.1: 22 of 1,613,890 alleles (0.0014%); highest among the groups gnomAD compares: Non-Finnish European, 0.0017%; no homozygotes.

Submissions (2):

Labcorp Genetics (formerly Invitae), Labcorp
Classification: Uncertain significance. Last evaluated: 2024-01-22. Review status: criteria provided, single submitter. Criteria: Invitae Variant Classification Sherloc (09022015). Collection method: clinical testing. Allele origin: germline.
Comment: This sequence change replaces alanine, which is neutral and non-polar, with valine, which is neutral and non-polar, at codon 1855 of the TRRAP protein (p.Ala1855Val). The frequency data for this variant in the population databases is considered unreliable, as metrics indicate poor data quality at this position in the gnomAD database. This variant has not been reported in the literature in individuals affected with TRRAP-related conditions. ClinVar contains an entry for this variant (Variation ID: 2597401). An algorithm developed to predict the effect of missense changes on protein structure and function (PolyPhen-2) suggests that this variant is likely to be tolerated. In summary, the available evidence is currently insufficient to determine the role of this variant in disease. Therefore, it has been classified as a Variant of Uncertain Significance.

Ambry Genetics
Classification: Uncertain significance for Inborn genetic diseases. Last evaluated: 2023-07-19. Review status: criteria provided, single submitter. Criteria: Ambry Variant Classification Scheme 2023. Collection method: clinical testing. Allele origin: germline.

NM_001375524.1(TRRAP):c.5639C>T (p.Ala1880Val)

Gene: TRRAP (transformation/transcription domain associated protein; plus strand). Cytogenetic location: 7q22.1.
Variant type: single nucleotide variant.
Coding change: c.5639C>T on transcript NM_001375524.1 (MANE Select); coding-DNA position 5639, C replaced by T.
Protein change: p.Ala1880Val; replaces alanine 1880 with valine.
Molecular consequence: missense variant.
Genome position (GRCh38, 1-based): chr7:98,953,342, C>T. VCF-style: chr7-98953342-C-T. GRCh37 (hg19) VCF-style: chr7-98550965-C-T.
Other names: c.5618C>T, p.Ala1873Val (NM_001244580.2); c.5564C>T, p.Ala1855Val (NM_003496.4); short protein forms A1873V, A1880V, A1855V.
Identifiers: ClinVar variation 2597401 (VCV002597401.5), dbSNP rs370921401, ClinGen allele CA4360618.